The following is an entry in ClinVar:

NM_001375524.1(TRRAP):c.7232A>C (p.Glu2411Ala)

Gene: TRRAP (transformation/transcription domain associated protein; plus strand). Cytogenetic location: 7q22.1.
Variant type: single nucleotide variant.
Coding change: c.7232A>C on transcript NM_001375524.1 (MANE Select); coding-DNA position 7232, A replaced by C.
Protein change: p.Glu2411Ala; replaces glutamic acid 2411 with alanine.
Molecular consequence: missense variant.
Genome position (GRCh38, 1-based): chr7:98,967,096, A>C. VCF-style: chr7-98967096-A-C. GRCh37 (hg19) VCF-style: chr7-98564719-A-C.
Other names: c.7211A>C, p.Glu2404Ala (NM_001244580.2); c.7157A>C, p.Glu2386Ala (NM_003496.4); short protein forms E2386A, E2411A, E2404A.
Identifiers: ClinVar variation 5008572 (VCV005008572.1).
Genomic context (GRCh38, chr7:98,967,096, plus strand): 5'-TACAGACACCTACACTCCGGGAGAAGTCCATTTTGCTTGTGAAGATGATGACTTACATAG[A>C]AAAACGCTTTCCGGAAGACCTTGAATTAAATGCCCAGTTTTTAGATCTTGTTAACTATGT-3'
Protein context (NP_001362453.1, residues 2401-2421): ILLVKMMTYI[Glu2411Ala]KRFPEDLELN

ClinVar aggregate classification (germline): Uncertain significance (1 of 4 stars; one submission).

gnomAD v4.1: 1 of 1,614,102 alleles (0.000062%); highest among the groups gnomAD compares: Admixed American, 0.0017%; no homozygotes.

Submission:

GeneDx
Classification: Uncertain significance. Last evaluated: 2026-03-04. Review status: criteria provided, single submitter. Criteria: GeneDx Variant Classification Process June 2021. Collection method: clinical testing. Allele origin: germline.
Comment: Not observed at significant frequency in large population cohorts (gnomAD); In silico analysis supports that this missense variant has a deleterious effect on protein structure/function; Has not been previously published as pathogenic or benign to our knowledge